The following is an entry in ClinVar:

ClinVar aggregate classification (germline): Uncertain significance (1 of 4 stars; one submission).

Allele frequency attached by ClinVar (database versions not stated): TOPMed 0.00014; 1000 Genomes Project 30x 0.00016; 1000 Genomes Project 0.00020; gnomAD 0.00021; gnomAD exomes 0.00022; ExAC 0.00037.
gnomAD v4.1: 329 of 1,549,922 alleles (0.021%); highest among the groups gnomAD compares: Middle Eastern, 0.1%; no homozygotes.

Submission:

Labcorp Genetics (formerly Invitae), Labcorp
Classification: Uncertain significance. Last evaluated: 2023-07-14. Review status: criteria provided, single submitter. Criteria: Invitae Variant Classification Sherloc (09022015). Collection method: clinical testing. Allele origin: germline.
Comment: This sequence change falls in intron 7 of the TET2 gene. It does not directly change the encoded amino acid sequence of the TET2 protein. It affects a nucleotide within the consensus splice site. This variant is present in population databases (rs555969001, gnomAD 0.07%). This variant has not been reported in the literature in individuals affected with TET2-related conditions. ClinVar contains an entry for this variant (Variation ID: 2045517). Variants that disrupt the consensus splice site are a relatively common cause of aberrant splicing (PMID: 17576681, 9536098). Algorithms developed to predict the effect of sequence changes on RNA splicing suggest that this variant is not likely to affect RNA splicing. In summary, the available evidence is currently insufficient to determine the role of this variant in disease. Therefore, it has been classified as a Variant of Uncertain Significance.

Literature cited by the submitters: PubMed 17576681; PubMed 9536098.

NM_001127208.3(TET2):c.3954+3T>G

Genes: TET2 (tet methylcytosine dioxygenase 2; plus strand), TET2-AS1 (TET2 antisense RNA 1; minus strand). Cytogenetic location: 4q24.
Variant type: single nucleotide variant.
Coding change: c.3954+3T>G on transcript NM_001127208.3 (MANE Select); 3 bases into the intron after coding-DNA position 3954, T replaced by G.
Molecular consequence: intron variant.
Genome position (GRCh38, 1-based): chr4:105,259,772, T>G. VCF-style: chr4-105259772-T-G. GRCh37 (hg19) VCF-style: chr4-106180929-T-G.
Identifiers: ClinVar variation 2045517 (VCV002045517.2), dbSNP rs555969001, ClinGen allele CA3032150.
Genomic context (GRCh38, chr4:105,259,772, plus strand): 5'-GTTTGCCAGAAGCAAGATCCCAAGGAAGTTTAAGCTGCTTGGGGATGACCCAAAAGAGGT[T>G]TGTTTACTTCCTGATGTATAATCGCTTTATTTTTCATAGAGAATTCATTAGCTTAGATGA-3'